The following is an entry in ClinVar:

NM_001743.6(CALM2):c.-46T>G

Gene: CALM2 (calmodulin 2; minus strand). Cytogenetic location: 2p21.
Variant type: single nucleotide variant.
Coding change: c.-46T>G on transcript NM_001743.6 (MANE Select); 46 bases upstream of the start codon, T replaced by G.
Molecular consequence: 5 prime UTR variant. On other transcripts: missense variant (1), intron variant (1).
Genome position (GRCh38, 1-based): chr2:47,176,489, A>C on the plus strand (T>G on the coding strand, the complement: CALM2 is on the minus strand). VCF-style: chr2-47176489-A-C. GRCh37 (hg19) VCF-style: chr2-47403628-A-C.
Other names: c.53T>G, p.Leu18Arg (NM_001305624.1); c.-106+360T>G (NM_001305625.2); short protein forms L18R.
Identifiers: ClinVar variation 507753 (VCV000507753.1), dbSNP rs781438828, ClinGen allele CA1648694.

ClinVar aggregate classification (germline): Likely benign (1 of 4 stars; one submission).

Allele frequency attached by ClinVar (database versions not stated): TOPMed 0.00003.
gnomAD v4.1: 22 of 1,612,516 alleles (0.0014%); highest among the groups gnomAD compares: East Asian, 0.033%; no homozygotes.

Submission:

GeneDx
Classification: Likely benign. Last evaluated: 2017-03-06. Review status: criteria provided, single submitter. Criteria: GeneDx Variant Classification (06012015). Collection method: clinical testing. Allele origin: germline. Affected: yes.
Comment: This variant is considered likely benign or benign based on one or more of the following criteria: it is a conservative change, it occurs at a poorly conserved position in the protein, it is predicted to be benign by multiple in silico algorithms, and/or has population frequency not consistent with disease.